The following is an entry in ClinVar:

ClinVar aggregate classification (germline): Uncertain significance (1 of 4 stars; one submission).

Submission:

GeneDx
Classification: Uncertain significance. Last evaluated: 2026-01-14. Review status: criteria provided, single submitter. Criteria: GeneDx Variant Classification Process June 2021. Collection method: clinical testing. Allele origin: germline.
Comment: Not observed at significant frequency in large population cohorts (gnomAD); In silico analysis suggests that this missense variant does not alter protein structure/function; Has not been previously published as pathogenic or benign to our knowledge

NM_004371.4(COPA):c.3610A>G (p.Thr1204Ala)

Gene: COPA (coat protein complex I subunit alpha; minus strand). Cytogenetic location: 1q23.2.
Variant type: single nucleotide variant.
Coding change: c.3610A>G on transcript NM_004371.4 (MANE Select); coding-DNA position 3610, A replaced by G.
Protein change: p.Thr1204Ala; replaces threonine 1204 with alanine.
Molecular consequence: missense variant.
Genome position (GRCh38, 1-based): chr1:160,290,497, T>C on the plus strand (A>G on the coding strand, the complement: COPA is on the minus strand). VCF-style: chr1-160290497-T-C. GRCh37 (hg19) VCF-style: chr1-160260287-T-C.
Other names: c.3637A>G, p.Thr1213Ala (NM_001098398.2); short protein forms T1204A, T1213A.
Identifiers: ClinVar variation 3774236 (VCV003774236.2).